The following is an entry in ClinVar:

ClinVar aggregate classification (germline): Uncertain significance (0 of 4 stars; one submission).

Conditions:
SEMA3B-related disorder. Also called: SEMA3B-related condition.

Submission:

PreventionGenetics, part of Exact Sciences
Classification: Uncertain significance for SEMA3B-related condition. Last evaluated: 2024-08-29. Review status: no assertion criteria provided. Collection method: clinical testing. Allele origin: germline.
Comment: The SEMA3B c.941A>C variant is predicted to result in the amino acid substitution p.Asp314Ala. To our knowledge, this variant has not been reported in the literature or in a large population database, indicating this variant is rare. At this time, the clinical significance of this variant is uncertain due to the absence of conclusive functional and genetic evidence.

NM_001290060.2(SEMA3B):c.926A>C (p.Asp309Ala)

Gene: SEMA3B (semaphorin 3B; plus strand). Cytogenetic location: 3p21.31.
Variant type: single nucleotide variant.
Coding change: c.926A>C on transcript NM_001290060.2 (MANE Select); coding-DNA position 926, A replaced by C.
Protein change: p.Asp309Ala; replaces aspartic acid 309 with alanine.
Molecular consequence: missense variant. On other transcripts: 5 prime UTR variant (2).
Genome position (GRCh38, 1-based): chr3:50,273,762, A>C. VCF-style: chr3-50273762-A-C. GRCh37 (hg19) VCF-style: chr3-50311193-A-C.
Other names: c.926A>C, p.Asp309Ala (NM_001005914.3, NM_004636.4); c.941A>C, p.Asp314Ala (NM_001290061.1); c.-101A>C (NM_001290062.2); c.-104A>C (NM_001290063.2); short protein forms D309A, D314A.
Identifiers: ClinVar variation 3347804 (VCV003347804.1).